The following is an entry in ClinVar:

NM_001244008.2(KIF1A):c.430-244del

Gene: KIF1A (kinesin family member 1A; minus strand). Cytogenetic location: 2q37.3.
Variant type: Deletion.
Coding change: c.430-244del on transcript NM_001244008.2 (MANE Select); 244 bases into the intron before coding-DNA position 430, one base deleted (T; older notation c.430-244delT).
Molecular consequence: intron variant.
Genome position (GRCh38, 1-based): chr2:240,786,757, A deleted on the plus strand (T on the coding strand, the reverse complement: KIF1A is on the minus strand). VCF-style (leftmost placement, unchanged base first): chr2-240786756-GA-G. GRCh37 (hg19) VCF-style: chr2-241726173-GA-G.
Other names: c.430-244del (NM_001379653.1, NM_001379650.1, NM_001379645.1 and 20 more transcripts).
Identifiers: ClinVar variation 682827 (VCV000682827.1), dbSNP rs138509440, ClinGen allele CA68141457.

ClinVar aggregate classification (germline): Benign (1 of 4 stars; one submission).

Allele frequency attached by ClinVar (database versions not stated): gnomAD 0.25612 and 0.26356.

Submission:

GeneDx
Classification: Benign. Last evaluated: 2018-06-14. Review status: criteria provided, single submitter. Criteria: GeneDx Variant Classification (06012015). Collection method: clinical testing. Allele origin: germline. Affected: yes.
Comment: This variant is considered likely benign or benign based on one or more of the following criteria: it is a conservative change, it occurs at a poorly conserved position in the protein, it is predicted to be benign by multiple in silico algorithms, and/or has population frequency not consistent with disease.